The following is an entry in ClinVar:

ClinVar aggregate classification (germline): Pathogenic. Review status: criteria provided, multiple submitters, no conflicts (2 of 4 stars). 5 submissions from 5 submitters: Pathogenic (4). 1 of the submissions does not count toward it. Last evaluated 2026-01-28.

Conditions:
Dilated cardiomyopathy 1G (CMD1G). Identifiers: Orphanet 154, MedGen C1858763, MONDO:0011400, OMIM 604145.
Autosomal recessive limb-girdle muscular dystrophy type 2J (LGMDR10). Also called: Limb-girdle muscular dystrophy, type 2J; MUSCULAR DYSTROPHY, LIMB-GIRDLE, AUTOSOMAL RECESSIVE 10. Identifiers: Orphanet 140922, MedGen C1837342, MONDO:0012127, OMIM 608807.
Cardiovascular phenotype. Identifiers: MedGen CN230736.

Allele frequency attached by ClinVar (database versions not stated): gnomAD exomes below 0.00001.
gnomAD v4.1: 2 of 1,612,930 alleles (0.00012%); highest among the groups gnomAD compares: South Asian, 0.0011%; no homozygotes.

Submissions (5):

Labcorp Genetics (formerly Invitae), Labcorp
Classification: Pathogenic for Dilated cardiomyopathy 1G; Autosomal recessive limb-girdle muscular dystrophy type 2J. Last evaluated: 2026-01-28. Review status: criteria provided, single submitter. Criteria: Invitae Variant Classification Sherloc (09022015). Collection method: clinical testing. Allele origin: germline.
Comment: This sequence change creates a premature translational stop signal (p.Gln22450*) in the TTN gene. While this is not anticipated to result in nonsense mediated decay, it is expected to create a truncated TTN protein. This variant is present in population databases (no rsID available, gnomAD 0.003%). This premature translational stop signal has been observed in individuals with dilated cardiomyopathy (PMID: 30165862; internal data). This variant is also known as p.Gln19882Ter. ClinVar contains an entry for this variant (Variation ID: 1074124). This variant is located in the A band of TTN (PMID: 25589632). Truncating variants in this region are significantly overrepresented in patients affected with dilated cardiomyopathy (PMID: 25589632). Truncating variants in this region have also been reported in individuals affected with autosomal recessive centronuclear myopathy (PMID: 23975875). For these reasons, this variant has been classified as Pathogenic.

Ambry Genetics
Classification: Pathogenic for Cardiovascular phenotype. Last evaluated: 2026-01-05. Review status: criteria provided, single submitter. Criteria: Ambry Variant Classification Scheme 2023. Collection method: clinical testing. Allele origin: germline.
Comment: The c.40153C>T (p.Q13385*) alteration, located in exon 146 (coding exon 145) of the TTN gene, consists of a C to T substitution at nucleotide position 40153. This changes the amino acid from a glutamine (Q) to a stop codon at amino acid position 13385. This variant is expected to result in loss of function by premature protein truncation or nonsense-mediated mRNA decay. Based on data from gnomAD, the T allele has an overall frequency of <0.001% (1/247574) total alleles studied. The highest observed frequency was 0.003% (1/30558) of South Asian alleles. This variant (referred to as p.Gln19882Ter, c.59644C>T) has been reported in association with dilated cardiomyopathy (DCM) (Lu, 2018). This exon is located in the A-band region of the N2-B isoform of the titin protein and is constitutively expressed in TTN transcripts (percent spliced in or PSI 100%). While truncating variants in TTN are present in 1-3% of the general population, truncating variants in the A-band are the most common cause of dilated cardiomyopathy (Herman, 2012; Roberts, 2015). TTN truncating variants encoded in constitutive exons (PSI >90%) have been found to be significantly associated with DCM regardless of their position in titin (Schafer, 2017; Akhtar, 2020; Massier, 2025). Based on the available evidence, this alteration is classified as pathogenic.

GeneDx
Classification: Pathogenic. Last evaluated: 2025-06-16. Review status: criteria provided, single submitter. Criteria: GeneDx Variant Classification Process June 2021. Collection method: clinical testing. Allele origin: germline.
Comment: Not observed at significant frequency in large population cohorts (gnomAD); Nonsense variant predicted to result in protein truncation or nonsense mediated decay in a gene for which loss of function is a known mechanism of disease; Located in the A-band, a region of TTN for which truncating variants are significantly associated with autosomal dominant cardiomyopathy and also with autosomal recessive skeletal myopathies (PMID: 22335739, 32778822); This variant is associated with the following publications: (PMID: 30165862, 22335739, 32778822)

Dasa
Classification: Pathogenic. Last evaluated: 2025-03-09. Review status: criteria provided, single submitter. Criteria: DASA Assertion Criteria. Collection method: clinical testing. Allele origin: germline.
Comment: NM_001267550.2(TTN):c.67348C>T (p.Gln22450*) introduces a premature termination codon predicted to result in loss of normal protein function. Loss-of-function is an established mechanism of disease for this gene. This variant has been reported in individuals with related phenotype (PMID: 30165862). The variant is present at low frequency in population datasets. Based on the available data, this variant is classified as pathogenic.

Cardiogenetics and Myogenetics Molecular and Cellular Functional Unit, Aphp Sorbonne University-Hopital Pitie Salpetriere
Classification: Pathogenic for Dilated cardiomyopathy 1G. Last evaluated: 2024-01-06. Review status: no assertion criteria provided. Collection method: clinical testing. Allele origin: germline. Affected: yes. Not counted in ClinVar's aggregate classification.

Literature cited by the submitters: PubMed 30165862 (cited by 3 submitters); PubMed 25589632 (cited by Labcorp Genetics (formerly Invitae), Labcorp); PubMed 23975875 (cited by Labcorp Genetics (formerly Invitae), Labcorp).

NM_001267550.2(TTN):c.67348C>T (p.Gln22450Ter)

Genes: TTN (titin; minus strand), TTN-AS1 (TTN antisense RNA 1; plus strand). Cytogenetic location: 2q31.2.
Variant type: single nucleotide variant.
Coding change: c.67348C>T on transcript NM_001267550.2 (MANE Select); coding-DNA position 67348, C replaced by T.
Protein change: p.Gln22450Ter; replaces glutamine 22450 with a stop codon.
Molecular consequence: nonsense.
Genome position (GRCh38, 1-based): chr2:178,579,939, G>A on the plus strand (C>T on the coding strand, the complement: TTN is on the minus strand). VCF-style: chr2-178579939-G-A. GRCh37 (hg19) VCF-style: chr2-179444666-G-A.
Other names: c.67348C>T (NM_001267550.1); c.62425C>T, p.Gln20809Ter (NM_001256850.1); c.40153C>T, p.Gln13385Ter (NM_003319.4); c.59644C>T, p.Gln19882Ter (NM_133378.4); c.40528C>T, p.Gln13510Ter (NM_133432.3); c.40729C>T, p.Gln13577Ter (NM_133437.4); short protein forms Q13385*, Q13510*, Q13577*, Q19882*, Q20809*, Q22450*.
Identifiers: ClinVar variation 1074124 (VCV001074124.15), dbSNP rs1403485272, ClinGen allele CA349423953.
Genomic context (GRCh38, chr2:178,579,939, plus strand): 5'-CCCCATATAACAAAGGAAGGATATAACTCAAAATGATGGGATGATGGTTCATTTGCTTAC[G>A]GGAAGCTTTGACAGCATCACGAGTTTCACCGGGATCACCAATGCCATACTCATTTTCAGC-3'